The following is an entry in ClinVar:

ClinVar aggregate classification (germline): not provided (0 of 4 stars; one submission).

Conditions:
Familial long QT syndrome (RWS). Also called: Congenital long QT syndrome; Romano-Ward syndrome; VENTRICULAR FIBRILLATION WITH PROLONGED QT INTERVAL. Identifiers: Orphanet 768, MedGen C1141890, MONDO:0019171.

Submission:

Cardiovascular Biomedical Research Unit, Royal Brompton & Harefield NHS Foundation Trust
No classification provided. Condition: Familial long QT syndrome. Review status: no classification provided. Collection method: literature only. Allele origin: germline.
Comment: This variant has been reported as associated with Long QT syndrome in the following publications (PMID:16414944). This is a literature report, and does not necessarily reflect the clinical interpretation of the Imperial College / Royal Brompton Cardiovascular Genetics laboratory.

Literature cited by the submitters: PubMed 16414944; PubMed 22581653.

NM_000218.3(KCNQ1):c.1756A>G (p.Asn586Asp)

Gene: KCNQ1 (potassium voltage-gated channel subfamily Q member 1; plus strand). Cytogenetic location: 11p15.5.
Variant type: single nucleotide variant.
Coding change: c.1756A>G on transcript NM_000218.3 (MANE Select); coding-DNA position 1756, A replaced by G.
Protein change: p.Asn586Asp; replaces asparagine 586 with aspartic acid.
Molecular consequence: missense variant.
Genome position (GRCh38, 1-based): chr11:2,777,999, A>G. VCF-style: chr11-2777999-A-G. GRCh37 (hg19) VCF-style: chr11-2799229-A-G.
Other names: c.1756A>G (LRG_287t1); c.1660A>G, p.Asn554Asp (NM_001406836.1); c.1486A>G, p.Asn496Asp (NM_001406837.1); c.1216A>G, p.Asn406Asp (NM_001406838.1); c.268A>G, p.Asn90Asp (NM_001406839.1); c.1375A>G, p.Asn459Asp (NM_181798.2); short protein forms N586D, N459D, N90D, N406D, N496D, N554D.
Identifiers: ClinVar variation 53014 (VCV000053014.3), dbSNP rs199472812, ClinGen allele CA006321.